The following is an entry in ClinVar:

ClinVar aggregate classification (germline): Uncertain significance (1 of 4 stars; one submission).

Conditions:
Mosaic variegated aneuploidy syndrome 1 (MVA1). Also called: Warburton-Anyane-Yeboa syndrome. Identifiers: Orphanet 1052, MedGen C1850343, MONDO:0009759, OMIM 257300.

Submission:

Labcorp Genetics (formerly Invitae), Labcorp
Classification: Uncertain significance for Mosaic variegated aneuploidy syndrome 1. Last evaluated: 2021-05-01. Review status: criteria provided, single submitter. Criteria: Invitae Variant Classification Sherloc (09022015). Collection method: clinical testing. Allele origin: germline.
Comment: In summary, the available evidence is currently insufficient to determine the role of this variant in disease. Therefore, it has been classified as a Variant of Uncertain Significance. Algorithms developed to predict the effect of missense changes on protein structure and function are either unavailable or do not agree on the potential impact of this missense change (SIFT: "Tolerated"; PolyPhen-2: "Possibly Damaging"; Align-GVGD: "Class C0"). This variant has not been reported in the literature in individuals with BUB1B-related conditions. This variant is not present in population databases (ExAC no frequency). This sequence change replaces isoleucine with valine at codon 415 of the BUB1B protein (p.Ile415Val). The isoleucine residue is moderately conserved and there is a small physicochemical difference between isoleucine and valine.

NM_001211.6(BUB1B):c.1243A>G (p.Ile415Val)

Gene: BUB1B (BUB1 mitotic checkpoint serine/threonine kinase B; plus strand). Cytogenetic location: 15q15.1.
Variant type: single nucleotide variant.
Coding change: c.1243A>G on transcript NM_001211.6 (MANE Select); coding-DNA position 1243, A replaced by G.
Protein change: p.Ile415Val; replaces isoleucine 415 with valine.
Molecular consequence: missense variant.
Genome position (GRCh38, 1-based): chr15:40,196,729, A>G. VCF-style: chr15-40196729-A-G. GRCh37 (hg19) VCF-style: chr15-40488930-A-G.
Other names: short protein forms I415V.
Identifiers: ClinVar variation 1521341 (VCV001521341.8), dbSNP rs2140898521, ClinGen allele CA391687603.